The following is an entry in ClinVar:

ClinVar aggregate classification (germline): Pathogenic/Likely pathogenic. Review status: criteria provided, multiple submitters, no conflicts (2 of 4 stars). 4 submissions from 4 submitters: Pathogenic (3); Likely pathogenic (1). Last evaluated 2025-09-15.

Conditions:
Retinitis pigmentosa 12 (RP12). Also called: RP WITH OR WITHOUT PPRPE; RP WITH OR WITHOUT PRESERVED PARAARTERIOLE RETINAL PIGMENT EPITHELIUM; RETINITIS PIGMENTOSA WITH OR WITHOUT PARAARTERIOLAR PRESERVATION OF RETINAL PIGMENT EPITHELIUM. Identifiers: Orphanet 791, MedGen C1838647, MONDO:0010818, OMIM 600105.
Leber congenital amaurosis 8 (LCA8). Identifiers: Orphanet 65, MedGen C3151202, MONDO:0013453, OMIM 613835.
Pigmented paravenous retinochoroidal atrophy. Identifiers: Orphanet 251295, MedGen C1868310, MONDO:0008246, OMIM 172870.
CRB1-related disorder. Also called: CRB1-related disorders; CRB1-related condition.

Allele frequency attached by ClinVar (database versions not stated): TOPMed below 0.00001.
gnomAD v4.1: 2 of 1,614,046 alleles (0.00012%); highest among the groups gnomAD compares: Admixed American, 0.0017%; no homozygotes.

Submissions (4):

Labcorp Genetics (formerly Invitae), Labcorp
Classification: Pathogenic for Leber congenital amaurosis 8; Retinitis pigmentosa 12. Last evaluated: 2025-09-15. Review status: criteria provided, single submitter. Criteria: Invitae Variant Classification Sherloc (09022015). Collection method: clinical testing. Allele origin: germline.
Comment: This sequence change creates a premature translational stop signal (p.Glu1330*) in the CRB1 gene. While this is not anticipated to result in nonsense mediated decay, it is expected to disrupt the last 77 amino acid(s) of the CRB1 protein. This variant is present in population databases (no rsID available, gnomAD 0.003%). This premature translational stop signal has been observed in individuals with CRB1-related conditions (PMID: 23379534). ClinVar contains an entry for this variant (Variation ID: 1455373). This variant disrupts a region of the CRB1 protein in which other variant(s) (p.Arg1390*) have been determined to be pathogenic (PMID: 23379534, 29068479). This suggests that this is a clinically significant region of the protein, and that variants that disrupt it are likely to be disease-causing. For these reasons, this variant has been classified as Pathogenic.

Fulgent Genetics
Classification: Pathogenic for Pigmented paravenous retinochoroidal atrophy; Retinitis pigmentosa 12; Leber congenital amaurosis 8. Last evaluated: 2024-04-06. Review status: criteria provided, single submitter. Criteria: ACMG Guidelines, 2015. Collection method: clinical testing. Allele origin: germline.

Baylor Genetics
Classification: Pathogenic for Leber congenital amaurosis 8. Last evaluated: 2023-09-21. Review status: criteria provided, single submitter. Criteria: ACMG Guidelines, 2015. Collection method: clinical testing. Allele origin: unknown.

Blueprint Genetics
Classification: Likely pathogenic for CRB1-related disorders. Last evaluated: 2019-07-31. Review status: criteria provided, single submitter. Criteria: ACMG Guidelines, 2015. Collection method: clinical testing. Allele origin: germline. Affected: yes. Observed: 1 variant allele.

Literature cited by the submitters: PubMed 23379534 (cited by Labcorp Genetics (formerly Invitae), Labcorp); PubMed 29068479 (cited by Labcorp Genetics (formerly Invitae), Labcorp).

NM_201253.3(CRB1):c.3988G>T (p.Glu1330Ter)

Gene: CRB1 (crumbs cell polarity complex component 1; plus strand). Cytogenetic location: 1q31.3.
Variant type: single nucleotide variant.
Coding change: c.3988G>T on transcript NM_201253.3 (MANE Select); coding-DNA position 3988, G replaced by T.
Protein change: p.Glu1330Ter; replaces glutamic acid 1330 with a stop codon.
Molecular consequence: nonsense. On other transcripts: non-coding transcript variant (2).
Genome position (GRCh38, 1-based): chr1:197,442,275, G>T. VCF-style: chr1-197442275-G-T. GRCh37 (hg19) VCF-style: chr1-197411405-G-T.
Other names: c.3652G>T, p.Glu1218Ter (NM_001193640.2); c.3916G>T, p.Glu1306Ter (NM_001257965.2); c.2380G>T, p.Glu794Ter (NM_001257966.2); short protein forms E1330*, E794*, E1306*, E1218*.
Identifiers: ClinVar variation 1455373 (VCV001455373.11), dbSNP rs1372774777, ClinGen allele CA344052686.